The following is an entry in ClinVar:

NM_032578.4(MYPN):c.805C>A (p.Pro269Thr)

Gene: MYPN (myopalladin; plus strand). Cytogenetic location: 10q21.3.
Variant type: single nucleotide variant.
Coding change: c.805C>A on transcript NM_032578.4 (MANE Select); coding-DNA position 805, C replaced by A.
Protein change: p.Pro269Thr; replaces proline 269 with threonine.
Molecular consequence: missense variant. On other transcripts: 5 prime UTR variant (1), non-coding transcript variant (1).
Genome position (GRCh38, 1-based): chr10:68,122,243, C>A. VCF-style: chr10-68122243-C-A. GRCh37 (hg19) VCF-style: chr10-69882000-C-A.
Other names: c.805C>A, p.Pro269Thr (NM_001256267.2); c.-318C>A (NM_001256268.2); c.805C>A (NM_032578.2); short protein forms P269T.
Identifiers: ClinVar variation 1677710 (VCV001677710.4), dbSNP rs560119421, ClinGen allele CA209185541.

ClinVar aggregate classification (germline): Uncertain significance. Review status: criteria provided, multiple submitters, no conflicts (2 of 4 stars). 3 submissions from 3 submitters: Uncertain significance (3). Last evaluated 2023-03-31.

Conditions:
Cardiovascular phenotype. Identifiers: MedGen CN230736.
MYPN-related myopathy (CMYO24). Also called: Nemaline myopathy 11, autosomal recessive. Identifiers: MedGen C4479186, MONDO:0015023, OMIM 617336.
Dilated cardiomyopathy 1KK (CMD1KK). Identifiers: Orphanet 154, Orphanet 75249, MedGen C3714995, MONDO:0014100, OMIM 615248.

gnomAD v4.1: 1 of 1,613,328 alleles (0.000062%); highest among the groups gnomAD compares: African/African-American, 0.0013%; no homozygotes.

Submissions (3):

Ambry Genetics
Classification: Uncertain significance for Cardiovascular phenotype. Last evaluated: 2023-03-31. Review status: criteria provided, single submitter. Criteria: Ambry Variant Classification Scheme 2023. Collection method: clinical testing. Allele origin: germline.
Comment: The p.P269T variant (also known as c.805C>A), located in coding exon 1 of the MYPN gene, results from a C to A substitution at nucleotide position 805. The proline at codon 269 is replaced by threonine, an amino acid with highly similar properties. This amino acid position is highly conserved in available vertebrate species. In addition, this alteration is predicted to be deleterious by in silico analysis. Since supporting evidence is limited at this time, the clinical significance of this alteration remains unclear.

AiLife Diagnostics
Classification: Uncertain significance. Last evaluated: 2021-12-15. Review status: criteria provided, single submitter. Criteria: ACMG Guidelines, 2015. Collection method: clinical testing. Allele origin: germline. Affected: yes. Observed: 1 variant allele.

Fulgent Genetics
Classification: Uncertain significance for Dilated cardiomyopathy 1KK; MYPN-related myopathy. Last evaluated: 2021-11-02. Review status: criteria provided, single submitter. Criteria: ACMG Guidelines, 2015. Collection method: clinical testing. Allele origin: unknown.